The following is an entry in ClinVar:

ClinVar aggregate classification (germline): Conflicting classifications of pathogenicity. Review status: criteria provided, conflicting classifications (1 of 4 stars). 3 submissions from 3 submitters: Uncertain significance (2); Likely benign (1). Last evaluated 2023-04-05.

Conditions:
Koolen-de Vries syndrome (KDVS). Identifiers: Orphanet 96169, MedGen C1864871, MONDO:0012496, OMIM 610443.

Allele frequency attached by ClinVar (database versions not stated): gnomAD 0.00007; ExAC 0.00010; ESP Exome Variant Server 0.00015.
gnomAD v4.1: 172 of 1,614,048 alleles (0.011%); highest among the groups gnomAD compares: Non-Finnish European, 0.014%; no homozygotes.

Submissions (3):

Mayo Clinic Laboratories, Mayo Clinic
Classification: Uncertain significance. Last evaluated: 2023-04-05. Review status: criteria provided, single submitter. Criteria: ACMG Guidelines, 2015. Collection method: clinical testing. Allele origin: germline. Observed: 1 variant allele.

Labcorp Genetics (formerly Invitae), Labcorp
Classification: Uncertain significance for Koolen-de Vries syndrome. Last evaluated: 2021-09-03. Review status: criteria provided, single submitter. Criteria: Invitae Variant Classification Sherloc (09022015). Collection method: clinical testing. Allele origin: germline.
Comment: Due to the possible presence of a polymorphic segmental duplication, the location of the variant could not be unambiguously resolved. Variants with ambiguous mapping are still reported relative to the KANSL1 transcript. This sequence change replaces serine with isoleucine at codon 386 of the KANSL1 or 17q21.31 segmental duplication protein (p.Ser386Ile). The serine residue is highly conserved and there is a large physicochemical difference between serine and isoleucine. The frequency data for this variant in the population databases (ExAC) is considered unreliable due to the presence of homologous sequence, such as pseudogenes or paralogs, in the genome. This variant has not been reported in the literature in individuals with KANSL1-related conditions. ClinVar contains an entry for this variant (Variation ID: 536295). Algorithms developed to predict the effect of missense changes on protein structure and function (SIFT, PolyPhen-2, Align-GVGD) all suggest that this variant is likely to be disruptive. Until the location of this sequence change can be resolved, the clinical significance of this variant remains uncertain. It has been classified as a Variant of Uncertain Significance.

GeneDx
Classification: Likely benign. Last evaluated: 2020-03-01. Review status: criteria provided, single submitter. Criteria: GeneDx Variant Classification Process June 2021. Collection method: clinical testing. Allele origin: germline. Affected: yes.
Comment: This variant is associated with the following publications: (PMID: 22544363)

NM_015443.4(KANSL1):c.1157G>T (p.Ser386Ile)

Gene: KANSL1 (KAT8 regulatory NSL complex subunit 1). Cytogenetic location: 17q21.31.
Variant type: single nucleotide variant.
Coding change: c.1157G>T on transcript NM_015443.4 (MANE Select); coding-DNA position 1157, G replaced by T.
Protein change: p.Ser386Ile; replaces serine 386 with isoleucine.
Molecular consequence: missense variant.
Genome position (GRCh38, 1-based): chr17:46,170,987, C>A on the plus strand (G>T on the coding strand, the complement: KANSL1 is on the minus strand). VCF-style: chr17-46170987-C-A. GRCh37 (hg19) VCF-style: chr17-44248353-C-A.
Other names: p.Ser386Ile; c.1157G>T, p.Ser386Ile (NM_001193465.2, NM_001193466.2, NM_001379198.1); short protein forms S386I.
Identifiers: ClinVar variation 536295 (VCV000536295.8), dbSNP rs143589497, ClinGen allele CA8618883.